The following is an entry in ClinVar:

ClinVar aggregate classification (germline): Uncertain significance. Review status: criteria provided, multiple submitters, no conflicts (2 of 4 stars). 2 submissions from 2 submitters: Uncertain significance (2). Last evaluated 2024-04-29.

Conditions:
Cerebroretinal microangiopathy with calcifications and cysts 2 (CRMCC2). Identifiers: MedGen C4479220, MONDO:0015026, OMIM 617341.

Allele frequency attached by ClinVar (database versions not stated): ExAC 0.00001; gnomAD 0.00001; gnomAD exomes 0.00001; TOPMed 0.00002; ESP Exome Variant Server 0.00008.
gnomAD v4.1: 20 of 1,614,056 alleles (0.0012%); highest among the groups gnomAD compares: East Asian, 0.0045%; no homozygotes.

Submissions (2):

Labcorp Genetics (formerly Invitae), Labcorp
Classification: Uncertain significance. Last evaluated: 2024-04-29. Review status: criteria provided, single submitter. Criteria: Invitae Variant Classification Sherloc (09022015). Collection method: clinical testing. Allele origin: germline.
Comment: This sequence change replaces arginine, which is basic and polar, with glutamine, which is neutral and polar, at codon 133 of the STN1 protein (p.Arg133Gln). This variant is present in population databases (rs373606965, gnomAD 0.006%). This variant has not been reported in the literature in individuals affected with STN1-related conditions. ClinVar contains an entry for this variant (Variation ID: 1391941). Advanced modeling of protein sequence and biophysical properties (such as structural, functional, and spatial information, amino acid conservation, physicochemical variation, residue mobility, and thermodynamic stability) performed at Invitae indicates that this missense variant is not expected to disrupt STN1 protein function with a negative predictive value of 80%. In summary, the available evidence is currently insufficient to determine the role of this variant in disease. Therefore, it has been classified as a Variant of Uncertain Significance.

Fulgent Genetics
Classification: Uncertain significance for Cerebroretinal microangiopathy with calcifications and cysts 2. Last evaluated: 2022-01-05. Review status: criteria provided, single submitter. Criteria: ACMG Guidelines, 2015. Collection method: clinical testing. Allele origin: unknown.

NM_024928.5(STN1):c.398G>A (p.Arg133Gln)

Gene: STN1 (STN1 subunit of CST complex; minus strand). Cytogenetic location: 10q24.33.
Variant type: single nucleotide variant.
Coding change: c.398G>A on transcript NM_024928.5 (MANE Select); coding-DNA position 398, G replaced by A.
Protein change: p.Arg133Gln; replaces arginine 133 with glutamine.
Molecular consequence: missense variant.
Genome position (GRCh38, 1-based): chr10:103,900,121, C>T on the plus strand (G>A on the coding strand, the complement: STN1 is on the minus strand). VCF-style: chr10-103900121-C-T. GRCh37 (hg19) VCF-style: chr10-105659879-C-T.
Other names: short protein forms R133Q.
Identifiers: ClinVar variation 1391941 (VCV001391941.6), dbSNP rs373606965, ClinGen allele CA5676628.